The following is an entry in ClinVar:

ClinVar aggregate classification (germline): Uncertain significance (1 of 4 stars; one submission).

Submission:

Ambry Genetics
Classification: Uncertain significance. Last evaluated: 2025-11-02. Review status: criteria provided, single submitter. Criteria: Ambry Variant Classification Scheme 2023. Collection method: clinical testing. Allele origin: germline.
Comment: The p.A218V variant (also known as c.653C>T), located in coding exon 1 of the MC1R gene, results from a C to T substitution at nucleotide position 653. The alanine at codon 218 is replaced by valine, an amino acid with similar properties. This amino acid position is conserved. In addition, this alteration is predicted to be tolerated by in silico analysis. Based on the available evidence, the clinical significance of this variant remains unclear.

NM_002386.4(MC1R):c.653C>T (p.Ala218Val)

Gene: MC1R (melanocortin 1 receptor; plus strand). Cytogenetic location: 16q24.3.
Variant type: single nucleotide variant.
Coding change: c.653C>T on transcript NM_002386.4 (MANE Select); coding-DNA position 653, C replaced by T.
Protein change: p.Ala218Val; replaces alanine 218 with valine.
Molecular consequence: missense variant.
Genome position (GRCh38, 1-based): chr16:89,919,911, C>T. VCF-style: chr16-89919911-C-T. GRCh37 (hg19) VCF-style: chr16-89986319-C-T.
Other names: short protein forms A218V.
Identifiers: ClinVar variation 4550308 (VCV004550308.1).
Genomic context (GRCh38, chr16:89,919,911, plus strand): 5'-CTATGCTGGTGCTCATGGCCGTGCTGTACGTCCACATGCTGGCCCGGGCCTGCCAGCACG[C>T]CCAGGGCATCGCCCGGCTCCACAAGAGGCAGCGCCCGGTCCACCAGGGCTTTGGCCTTAA-3'
Protein context (NP_002377.4, residues 208-228): VHMLARACQH[Ala218Val]QGIARLHKRQ